The following is an entry in ClinVar:

ClinVar aggregate classification (germline): Pathogenic/Likely pathogenic. Review status: criteria provided, multiple submitters, no conflicts (2 of 4 stars). 4 submissions from 4 submitters: Pathogenic (1); Likely pathogenic (3). Last evaluated 2025-02-16.

Conditions:
Congenital adrenal hyperplasia due to cytochrome P450 oxidoreductase deficiency. Also called: DISORDERED STEROIDOGENESIS DUE TO POR DEFICIENCY. Identifiers: Orphanet 95699, MedGen C1860042, MONDO:0013310, OMIM 613571.
Antley-Bixler syndrome with genital anomalies and disordered steroidogenesis (ABS1). Also called: POR Deficiency. Identifiers: Orphanet 63269, MedGen C3150099, MONDO:0008726, OMIM 201750.
Congenital adrenal hyperplasia. Identifiers: Orphanet 418, MedGen C0001627, MONDO:0018479, HP:0008258.

Allele frequency attached by ClinVar (database versions not stated): gnomAD exomes 0.00001; 1000 Genomes Project 30x 0.00016.

Submissions (4):

Laboratory of Genetics, Children's Clinical University Hospital Latvia
Classification: Likely pathogenic. Last evaluated: 2025-02-16. Review status: criteria provided, single submitter. Criteria: ACMG Guidelines, 2015. Collection method: clinical testing. Allele origin: germline. Affected: yes.

Fulgent Genetics
Classification: Pathogenic for Antley-Bixler syndrome with genital anomalies and disordered steroidogenesis; Congenital adrenal hyperplasia due to cytochrome P450 oxidoreductase deficiency. Last evaluated: 2024-02-23. Review status: criteria provided, single submitter. Criteria: ACMG Guidelines, 2015. Collection method: clinical testing. Allele origin: germline.

Labcorp Genetics (formerly Invitae), Labcorp
Classification: Likely pathogenic for Congenital adrenal hyperplasia due to cytochrome P450 oxidoreductase deficiency. Last evaluated: 2024-02-07. Review status: criteria provided, single submitter. Criteria: Invitae Variant Classification Sherloc (09022015). Collection method: clinical testing. Allele origin: germline.
Comment: This sequence change affects a donor splice site in intron 8 of the POR gene. It is expected to disrupt RNA splicing. Variants that disrupt the donor or acceptor splice site typically lead to a loss of protein function (PMID: 16199547), and loss-of-function variants in POR are known to be pathogenic (PMID: 14758361, 20732302, 21741353). The frequency data for this variant in the population databases is considered unreliable, as metrics indicate poor data quality at this position in the gnomAD database. This variant has not been reported in the literature in individuals affected with POR-related conditions. ClinVar contains an entry for this variant (Variation ID: 1723238). Algorithms developed to predict the effect of sequence changes on RNA splicing suggest that this variant may disrupt the consensus splice site. In summary, the currently available evidence indicates that the variant is pathogenic, but additional data are needed to prove that conclusively. Therefore, this variant has been classified as Likely Pathogenic.

Women's Health and Genetics/Laboratory Corporation of America, LabCorp
Classification: Likely pathogenic for Congenital adrenal hyperplasia. Last evaluated: 2022-10-05. Review status: criteria provided, single submitter. Criteria: LabCorp Variant Classification Summary - May 2015. Collection method: clinical testing. Allele origin: germline.
Comment: Variant summary: POR c.830+1G>A is located in a canonical splice-site and is predicted to affect mRNA splicing resulting in a significantly altered protein due to either exon skipping, shortening, or inclusion of intronic material. Several computational tools predict a significant impact on normal splicing: Four predict the variant abolishes a 5' splicing donor site. However, these predictions have yet to be confirmed by functional studies. The variant allele was found at a frequency of 1.3e-05 in 239558 control chromosomes (gnomAD). To our knowledge, no occurrence of c.830+1G>A in individuals affected with Congenital Adrenal Hyperplasia and no experimental evidence demonstrating its impact on protein function have been reported. No clinical diagnostic laboratories have submitted clinical-significance assessments for this variant to ClinVar after 2014. Based on the evidence outlined above, the variant was classified as likely pathogenic.

Literature cited by the submitters: PubMed 16199547 (cited by Labcorp Genetics (formerly Invitae), Labcorp); PubMed 14758361 (cited by Labcorp Genetics (formerly Invitae), Labcorp); PubMed 20732302 (cited by Labcorp Genetics (formerly Invitae), Labcorp); PubMed 21741353 (cited by Labcorp Genetics (formerly Invitae), Labcorp).

NM_001395413.1(POR):c.821+1G>A

Gene: POR (cytochrome p450 oxidoreductase; plus strand). Cytogenetic location: 7q11.23.
Variant type: single nucleotide variant.
Coding change: c.821+1G>A on transcript NM_001395413.1 (MANE Select); the canonical splice donor site of the intron after coding-DNA position 821, G replaced by A.
Molecular consequence: splice donor variant.
Genome position (GRCh38, 1-based): chr7:75,982,323, G>A. VCF-style: chr7-75982323-G-A. GRCh37 (hg19) VCF-style: chr7-75611641-G-A.
Other names: c.821+1G>A (NM_001382662.3, NM_001382659.3, NM_001367562.3 and 2 more transcripts); c.875+1G>A (NM_001382655.3); c.830+1G>A (NM_000941.2).
Identifiers: ClinVar variation 1723238 (VCV001723238.6), dbSNP rs74900634, ClinGen allele CA367748644.